The following is an entry in ClinVar:

NM_006464.4(TGOLN2):c.770C>T (p.Pro257Leu)

Gene: TGOLN2 (trans-golgi network protein 2; minus strand). Cytogenetic location: 2p11.2.
Variant type: single nucleotide variant.
Coding change: c.770C>T on transcript NM_006464.4 (MANE Select); coding-DNA position 770, C replaced by T.
Protein change: p.Pro257Leu; replaces proline 257 with leucine.
Molecular consequence: missense variant. On other transcripts: intron variant (1).
Genome position (GRCh38, 1-based): chr2:85,326,962, G>A on the plus strand (C>T on the coding strand, the complement: TGOLN2 is on the minus strand). VCF-style: chr2-85326962-G-A. GRCh37 (hg19) VCF-style: chr2-85554085-G-A.
Other names: c.770C>T, p.Pro257Leu (NM_001368095.1, NM_001368096.1); c.753+17C>T (NM_001206844.2); short protein forms P257L.
Identifiers: ClinVar variation 4594644 (VCV004594644.1).
Genomic context (GRCh38, chr2:85,326,962, plus strand): 5'-TTGGGGAGCTCCTTGTTATCAGAAGGGTTGGAGATGGGCTTGGAATGGTCTTTCCGGGAA[G>A]GCTGCTCTGGAACCACCTTGTTAGGGCTGTCTTTTGAGGTCTGCTCCTCCGCACCCGACT-3'
Protein context (NP_006455.2, residues 247-267): DSPNKVVPEQ[Pro257Leu]SRKDHSKPIS

ClinVar aggregate classification (germline): Uncertain significance (1 of 4 stars; one submission).

gnomAD v4.1: 37 of 1,613,858 alleles (0.0023%); highest among the groups gnomAD compares: Middle Eastern, 0.016%; no homozygotes.

Submission:

Ambry Genetics
Classification: Uncertain significance. Last evaluated: 2025-10-02. Review status: criteria provided, single submitter. Criteria: Ambry Variant Classification Scheme 2023. Collection method: clinical testing. Allele origin: germline.
Comment: The c.770C>T (p.P257L) alteration is located in exon 2 (coding exon 2) of the TGOLN2 gene. This alteration results from a C to T substitution at nucleotide position 770, causing the proline (P) at amino acid position 257 to be replaced by a leucine (L). Based on data from gnomAD, the T allele has an overall frequency of 0.004% (11/280670) total alleles studied. The highest observed frequency was 0.014% (1/7140) of Other alleles. Based on insufficient or conflicting evidence, the clinical significance of this alteration remains unclear.